The following is an entry in ClinVar:

ClinVar aggregate classification (germline): Uncertain significance (1 of 4 stars; one submission).

gnomAD v4.1: 9 of 1,614,014 alleles (0.00056%); highest among the groups gnomAD compares: East Asian, 0.0022%; no homozygotes.

Submission:

Labcorp Genetics (formerly Invitae), Labcorp
Classification: Uncertain significance. Last evaluated: 2025-06-03. Review status: criteria provided, single submitter. Criteria: Invitae Variant Classification Sherloc (09022015). Collection method: clinical testing. Allele origin: germline.
Comment: This sequence change replaces asparagine, which is neutral and polar, with serine, which is neutral and polar, at codon 1919 of the CNOT1 protein (p.Asn1919Ser). This variant is present in population databases (rs773697818, gnomAD 0.006%). This variant has not been reported in the literature in individuals affected with CNOT1-related conditions. An algorithm developed to predict the effect of missense changes on protein structure and function (PolyPhen-2) suggests that this variant is likely to be tolerated. In summary, the available evidence is currently insufficient to determine the role of this variant in disease. Therefore, it has been classified as a Variant of Uncertain Significance.

NM_016284.5(CNOT1):c.5771A>G (p.Asn1924Ser)

Gene: CNOT1 (CCR4-NOT transcription complex subunit 1; minus strand). Cytogenetic location: 16q21.
Variant type: single nucleotide variant.
Coding change: c.5771A>G on transcript NM_016284.5 (MANE Select); coding-DNA position 5771, A replaced by G.
Protein change: p.Asn1924Ser; replaces asparagine 1924 with serine.
Molecular consequence: missense variant. On other transcripts: non-coding transcript variant (1).
Genome position (GRCh38, 1-based): chr16:58,534,271, T>C on the plus strand (A>G on the coding strand, the complement: CNOT1 is on the minus strand). VCF-style: chr16-58534271-T-C. GRCh37 (hg19) VCF-style: chr16-58568175-T-C.
Other names: c.5756A>G, p.Asn1919Ser (NM_001265612.2); short protein forms N1919S, N1924S.
Identifiers: ClinVar variation 4766772 (VCV004766772.1).